The following is an entry in ClinVar:

ClinVar aggregate classification (germline): Pathogenic/Likely pathogenic. Review status: criteria provided, multiple submitters, no conflicts (2 of 4 stars). 4 submissions from 4 submitters: Pathogenic (1); Likely pathogenic (3). Last evaluated 2025-05-09.

Conditions:
Polycystic kidney disease 4 (PKD4). Also called: Autosomal Recessive Polycystic Kidney Disease – PKHD1; POLYCYSTIC KIDNEY AND HEPATIC DISEASE 1; POLYCYSTIC KIDNEY DISEASE, INFANTILE, TYPE I; PKD3; POLYCYSTIC KIDNEY DISEASE 4 WITH OR WITHOUT POLYCYSTIC LIVER DISEASE. Identifiers: MedGen C4540575, MONDO:0033004, OMIM 263200.
PKHD1-related disorder. Also called: PKHD1-related condition.
Autosomal recessive polycystic kidney disease (ARPKD). Also called: AR polycystic kidney disease. Identifiers: Orphanet 731, Orphanet 8378, MedGen C0085548, MeSH D017044, MONDO:0009889.

Submissions (4):

Natera, Inc.
Classification: Likely pathogenic for Autosomal recessive polycystic kidney disease. Last evaluated: 2025-05-09. Review status: criteria provided, single submitter. Criteria: Natera Variant Classification Schema (03/2026). Collection method: clinical testing. Allele origin: germline.
Comment: The c.7636delC variant in PKHD1 is a frameshift variant predicted to shift the reading frame beginning at codon 2546 and leads to a stop codon 33 codons downstream. This variant is expected to result in nonsense mediated decay, truncation, or a dysfunctional protein product. This variant is rare in the general population with a frequency below the threshold expected for the associated phenotype(s). Given the available evidence, this variant is classified as Likely Pathogenic.

Baylor Genetics
Classification: Likely pathogenic for Polycystic kidney disease 4. Last evaluated: 2023-12-25. Review status: criteria provided, single submitter. Criteria: ACMG Guidelines, 2015. Collection method: clinical testing. Allele origin: unknown.

Blueprint Genetics
Classification: Likely pathogenic for PKHD1-related disorders. Last evaluated: 2020-12-28. Review status: criteria provided, single submitter. Criteria: ACMG Guidelines, 2015. Collection method: clinical testing. Allele origin: germline. Affected: yes. Observed: 1 variant allele.

Labcorp Genetics (formerly Invitae), Labcorp
Classification: Pathogenic for Autosomal recessive polycystic kidney disease. Last evaluated: 2019-09-15. Review status: criteria provided, single submitter. Criteria: Invitae Variant Classification Sherloc (09022015). Collection method: clinical testing. Allele origin: germline.
Comment: This variant has not been reported in the literature in individuals with PKHD1-related conditions. This variant is not present in population databases (ExAC no frequency). This sequence change creates a premature translational stop signal (p.Leu2546Phefs*33) in the PKHD1 gene. It is expected to result in an absent or disrupted protein product. Loss-of-function variants in PKHD1 are known to be pathogenic (PMID: 19940839). For these reasons, this variant has been classified as Pathogenic.

Literature cited by the submitters: PubMed 19940839 (cited by Labcorp Genetics (formerly Invitae), Labcorp).

NM_138694.4(PKHD1):c.7636del (p.Leu2546fs)

Gene: PKHD1 (PKHD1 ciliary IPT domain containing fibrocystin/polyductin; minus strand). Cytogenetic location: 6p12.2.
Variant type: Deletion.
Coding change: c.7636del on transcript NM_138694.4 (MANE Select); coding-DNA position 7636, one base deleted (C; older notation c.7636delC).
Protein change: p.Leu2546fs; shifts the reading frame from leucine 2546.
Molecular consequence: frameshift variant.
Genome position (GRCh38, 1-based): chr6:51,867,960, G deleted on the plus strand (C on the coding strand, the reverse complement: PKHD1 is on the minus strand); the first of 3 consecutive G bases (chr6:51,867,960-51,867,962); deleting any one gives the same sequence. VCF-style (leftmost placement, unchanged base first): chr6-51867959-AG-A. GRCh37 (hg19) VCF-style: chr6-51732757-AG-A.
Other names: c.7636del, p.Leu2546fs (NM_170724.3); c.7636delC (NM_138694.3); short protein forms L2546fs.
Identifiers: ClinVar variation 943824 (VCV000943824.12), dbSNP rs1775351921, ClinGen allele CA1139659626.